The following is an entry in ClinVar:

ClinVar aggregate classification (germline): Uncertain significance. Review status: criteria provided, multiple submitters, no conflicts (2 of 4 stars). 2 submissions from 2 submitters: Uncertain significance (2). Last evaluated 2025-06-30.

Conditions:
Cardiomyopathy (CMYO). Also called: Cardiomyopathies. Identifiers: Orphanet 167848, MedGen C0878544, MONDO:0004994, HP:0001638. Inheritance: Various modes of inheritance.
Catecholaminergic polymorphic ventricular tachycardia 1. Also called: VENTRICULAR TACHYCARDIA, CATECHOLAMINERGIC POLYMORPHIC, 1, WITH OR WITHOUT ATRIAL DYSFUNCTION AND/OR DILATED CARDIOMYOPATHY; RYR2-Related Catecholaminergic Polymorphic Ventricular Tachycardia; VENTRICULAR TACHYCARDIA, STRESS-INDUCED POLYMORPHIC 1. Identifiers: Orphanet 3286, MedGen C1631597, MONDO:0011484, OMIM 604772.

Allele frequency attached by ClinVar (database versions not stated): gnomAD exomes 0.00001; ExAC 0.00002.
gnomAD v4.1: 7 of 1,614,032 alleles (0.00043%); highest among the groups gnomAD compares: Non-Finnish European, 0.00059%; no homozygotes.

Submissions (2):

Color Diagnostics, LLC DBA Color Health
Classification: Uncertain significance for Cardiomyopathy. Last evaluated: 2025-06-30. Review status: criteria provided, single submitter. Criteria: ACMG Guidelines, 2015. Collection method: clinical testing. Allele origin: germline.
Comment: This missense variant replaces asparagine with serine at codon 783 of the RYR2 protein. Computational prediction suggests that this variant may not impact protein structure and function. To our knowledge, functional studies have not been reported for this variant. This variant has not been reported in individuals affected with RYR2-related disorders in the literature. This variant has been identified in 3/249286 chromosomes in the general population by the Genome Aggregation Database (gnomAD). The available evidence is insufficient to determine the role of this variant in disease conclusively. Therefore, this variant is classified as a Variant of Uncertain Significance.

Labcorp Genetics (formerly Invitae), Labcorp
Classification: Uncertain significance for Catecholaminergic polymorphic ventricular tachycardia 1. Last evaluated: 2022-06-26. Review status: criteria provided, single submitter. Criteria: Invitae Variant Classification Sherloc (09022015). Collection method: clinical testing. Allele origin: germline.
Comment: This variant has not been reported in the literature in individuals affected with RYR2-related conditions. In summary, the available evidence is currently insufficient to determine the role of this variant in disease. Therefore, it has been classified as a Variant of Uncertain Significance. Advanced modeling of protein sequence and biophysical properties (such as structural, functional, and spatial information, amino acid conservation, physicochemical variation, residue mobility, and thermodynamic stability) performed at Invitae indicates that this missense variant is not expected to disrupt RYR2 protein function. This variant is present in population databases (rs777900332, gnomAD 0.003%). This sequence change replaces asparagine, which is neutral and polar, with serine, which is neutral and polar, at codon 783 of the RYR2 protein (p.Asn783Ser).

NM_001035.3(RYR2):c.2348A>G (p.Asn783Ser)

Gene: RYR2 (ryanodine receptor 2; plus strand). Cytogenetic location: 1q43.
Variant type: single nucleotide variant.
Coding change: c.2348A>G on transcript NM_001035.3 (MANE Select); coding-DNA position 2348, A replaced by G.
Protein change: p.Asn783Ser; replaces asparagine 783 with serine.
Molecular consequence: missense variant.
Genome position (GRCh38, 1-based): chr1:237,500,855, A>G. VCF-style: chr1-237500855-A-G. GRCh37 (hg19) VCF-style: chr1-237664155-A-G.
Other names: short protein forms N783S.
Identifiers: ClinVar variation 1992288 (VCV001992288.4), dbSNP rs777900332, ClinGen allele CA086015.